The following is an entry in ClinVar:

NM_018010.4(IFT57):c.723A>G (p.Leu241=)

Gene: IFT57 (intraflagellar transport 57; minus strand). Cytogenetic location: 3q13.12.
Variant type: single nucleotide variant.
Coding change: c.723A>G on transcript NM_018010.4 (MANE Select); coding-DNA position 723, A replaced by G.
Protein change: p.Leu241=; no amino-acid change (leucine 241 retained).
Molecular consequence: synonymous variant.
Genome position (GRCh38, 1-based): chr3:108,191,575, T>C on the plus strand (A>G on the coding strand, the complement: IFT57 is on the minus strand). VCF-style: chr3-108191575-T-C. GRCh37 (hg19) VCF-style: chr3-107910422-T-C.
Identifiers: ClinVar variation 2654019 (VCV002654019.27), dbSNP rs2080215260, ClinGen allele CA435030426.

ClinVar aggregate classification (germline): Likely benign. Review status: criteria provided, multiple submitters, no conflicts (2 of 4 stars). 2 submissions from 2 submitters: Likely benign (2). Last evaluated 2023-05-23.

Allele frequency attached by ClinVar (database versions not stated): gnomAD exomes below 0.00001; gnomAD 0.00001.
gnomAD v4.1: 3 of 1,609,848 alleles (0.00019%); highest among the groups gnomAD compares: African/African-American, 0.0013%; no homozygotes.

Submissions (2):

Labcorp Genetics (formerly Invitae), Labcorp
Classification: Likely benign. Last evaluated: 2023-05-23. Review status: criteria provided, single submitter. Criteria: Invitae Variant Classification Sherloc (09022015). Collection method: clinical testing. Allele origin: germline.

CeGaT Center for Human Genetics Tuebingen
Classification: Likely benign. Last evaluated: 2023-02-01. Review status: criteria provided, single submitter. Criteria: CeGaT Center For Human Genetics Tuebingen Variant Classification Criteria Version 2. Collection method: clinical testing. Allele origin: germline. Affected: yes. Observed: 1 variant allele.
Comment: IFT57: BP4, BP7